The following is an entry in ClinVar:

ClinVar aggregate classification (germline): Uncertain significance. Review status: criteria provided, multiple submitters, no conflicts (2 of 4 stars). 2 submissions from 2 submitters: Uncertain significance (2). Last evaluated 2025-01-20.

Conditions:
Hereditary cancer-predisposing syndrome. Also called: Hereditary neoplastic syndrome; Neoplastic Syndromes, Hereditary; Tumor predisposition; Hereditary Cancer Syndrome. Identifiers: Orphanet 140162, MedGen C0027672, MeSH D009386, MONDO:0015356.
Hereditary diffuse gastric adenocarcinoma (HDGC). Also called: DIFFUSE GASTRIC AND LOBULAR BREAST CANCER SYNDROME. Identifiers: Orphanet 26106, MedGen C1708349, MONDO:0007648, OMIM 137215.

Submissions (2):

Ambry Genetics
Classification: Uncertain significance for Hereditary cancer-predisposing syndrome. Last evaluated: 2025-01-20. Review status: criteria provided, single submitter. Criteria: Ambry Variant Classification Scheme 2023. Collection method: clinical testing. Allele origin: germline.
Comment: The p.F375Y variant (also known as c.1124T>A), located in coding exon 8 of the CDH1 gene, results from a T to A substitution at nucleotide position 1124. The phenylalanine at codon 375 is replaced by tyrosine, an amino acid with highly similar properties. This amino acid position is conserved. In addition, the in silico prediction for this alteration is inconclusive. Based on the available evidence, the clinical significance of this variant remains unclear.

Labcorp Genetics (formerly Invitae), Labcorp
Classification: Uncertain significance for Hereditary diffuse gastric adenocarcinoma. Last evaluated: 2020-08-10. Review status: criteria provided, single submitter. Criteria: Invitae Variant Classification Sherloc (09022015). Collection method: clinical testing. Allele origin: germline.
Comment: This sequence change replaces phenylalanine with tyrosine at codon 375 of the CDH1 protein (p.Phe375Tyr). The phenylalanine residue is highly conserved and there is a small physicochemical difference between phenylalanine and tyrosine. This variant is not present in population databases (ExAC no frequency). This variant has not been reported in the literature in individuals with CDH1-related conditions. Algorithms developed to predict the effect of missense changes on protein structure and function are either unavailable or do not agree on the potential impact of this missense change (SIFT: "Deleterious"; PolyPhen-2: "Probably Damaging"; Align-GVGD: "Class C15"). In summary, the available evidence is currently insufficient to determine the role of this variant in disease. Therefore, it has been classified as a Variant of Uncertain Significance.

NM_004360.5(CDH1):c.1124T>A (p.Phe375Tyr)

Gene: CDH1 (cadherin 1; plus strand). Cytogenetic location: 16q22.1.
Variant type: single nucleotide variant.
Coding change: c.1124T>A on transcript NM_004360.5 (MANE Select); coding-DNA position 1124, T replaced by A.
Protein change: p.Phe375Tyr; replaces phenylalanine 375 with tyrosine.
Molecular consequence: missense variant. On other transcripts: 5 prime UTR variant (2).
Genome position (GRCh38, 1-based): chr16:68,812,250, T>A. VCF-style: chr16-68812250-T-A. GRCh37 (hg19) VCF-style: chr16-68846153-T-A.
Other names: c.1124T>A (NM_004360.3); c.1124T>A, p.Phe375Tyr (NM_001317184.2); c.-492T>A (NM_001317185.2); c.-696T>A (NM_001317186.2); short protein forms F375Y.
Identifiers: ClinVar variation 1002501 (VCV001002501.10), dbSNP rs1960860209, ClinGen allele CA396460258.